The following is an entry in ClinVar:

ClinVar aggregate classification (germline): Uncertain significance. Review status: criteria provided, multiple submitters, no conflicts (2 of 4 stars). 2 submissions from 2 submitters: Uncertain significance (2). Last evaluated 2022-08-16.

Conditions:
Neuronal ceroid lipofuscinosis. Also called: Neuronal Ceroid Lipofuscinoses. Identifiers: Orphanet 216, Orphanet 79263, MedGen C0027877, MONDO:0016295. Disease mechanism: loss of function.

gnomAD v4.1: 11 of 1,613,804 alleles (0.00068%); highest among the groups gnomAD compares: Middle Eastern, 0.016%; no homozygotes.

Submissions (2):

Labcorp Genetics (formerly Invitae), Labcorp
Classification: Uncertain significance for Neuronal ceroid lipofuscinosis. Last evaluated: 2022-08-16. Review status: criteria provided, single submitter. Criteria: Invitae Variant Classification Sherloc (09022015). Collection method: clinical testing. Allele origin: germline.
Comment: This sequence change replaces tyrosine, which is neutral and polar, with cysteine, which is neutral and slightly polar, at codon 18 of the CLN8 protein (p.Tyr18Cys). This variant is present in population databases (rs142104002, gnomAD 0.004%). This variant has not been reported in the literature in individuals affected with CLN8-related conditions. ClinVar contains an entry for this variant (Variation ID: 1412212). Algorithms developed to predict the effect of missense changes on protein structure and function output the following: SIFT: "Deleterious"; PolyPhen-2: "Benign"; Align-GVGD: "Class C0". The cysteine amino acid residue is found in multiple mammalian species, which suggests that this missense change does not adversely affect protein function. In summary, the available evidence is currently insufficient to determine the role of this variant in disease. Therefore, it has been classified as a Variant of Uncertain Significance.

Blueprint Genetics
Classification: Uncertain significance. Last evaluated: 2020-03-06. Review status: criteria provided, single submitter. Criteria: ACMG Guidelines, 2015. Collection method: clinical testing. Allele origin: germline.

NM_018941.4(CLN8):c.53A>G (p.Tyr18Cys)

Gene: CLN8 (CLN8 transmembrane ER and ERGIC protein; plus strand). Cytogenetic location: 8p23.3.
Variant type: single nucleotide variant.
Coding change: c.53A>G on transcript NM_018941.4 (MANE Select); coding-DNA position 53, A replaced by G.
Protein change: p.Tyr18Cys; replaces tyrosine 18 with cysteine.
Molecular consequence: missense variant.
Genome position (GRCh38, 1-based): chr8:1,771,107, A>G. VCF-style: chr8-1771107-A-G. GRCh37 (hg19) VCF-style: chr8-1719273-A-G.
Other names: short protein forms Y18C.
Identifiers: ClinVar variation 1412212 (VCV001412212.4), dbSNP rs142104002, ClinGen allele CA4599182.
Genomic context (GRCh38, chr8:1,771,107, plus strand): 5'-TGTGGACAATGAATCCTGCGAGCGATGGGGGCACATCAGAGAGCATTTTTGACCTGGACT[A>G]TGCATCCTGGGGGATCCGCTCCACGCTGATGGTCGCTGGCTTTGTCTTCTACTTGGGCGT-3'
Protein context (NP_061764.2, residues 8-28): GTSESIFDLD[Tyr18Cys]ASWGIRSTLM